The following is an entry in ClinVar:

NM_006245.4(PPP2R5D):c.198dup (p.Thr67fs)

Gene: PPP2R5D (protein phosphatase 2 regulatory subunit B'delta; plus strand). Cytogenetic location: 6p21.1.
Variant type: Duplication.
Coding change: c.198dup on transcript NM_006245.4 (MANE Select); coding-DNA position 198, one base duplicated (C; older notation c.198dupC).
Protein change: p.Thr67fs; shifts the reading frame from threonine 67.
Molecular consequence: frameshift variant. On other transcripts: intron variant (1), 5 prime UTR variant (1).
Genome position (GRCh38, 1-based): chr6:43,006,555, C duplicated; the last of 6 consecutive C bases (chr6:43,006,550-43,006,555); duplicating any one gives the same sequence. VCF-style (leftmost placement, unchanged base first): chr6-43006549-G-GC. GRCh37 (hg19) VCF-style: chr6-42974287-G-GC.
Other names: c.198dup, p.Thr67fs (NM_180976.3); c.28-379dup (NM_180977.3); c.-256dup (NM_001270476.2); short protein forms T67fs.
Identifiers: ClinVar variation 3724131 (VCV003724131.2).

ClinVar aggregate classification (germline): Uncertain significance (1 of 4 stars; one submission).

Submission:

Labcorp Genetics (formerly Invitae), Labcorp
Classification: Uncertain significance. Last evaluated: 2025-01-20. Review status: criteria provided, single submitter. Criteria: Invitae Variant Classification Sherloc (09022015). Collection method: clinical testing. Allele origin: germline.
Comment: This sequence change creates a premature translational stop signal (p.Thr67Hisfs*64) in the PPP2R5D gene. It is expected to result in an absent or disrupted protein product. However, the current clinical and genetic evidence is not sufficient to establish whether loss-of-function variants in PPP2R5D cause disease. This variant is not present in population databases (gnomAD no frequency). This variant has not been reported in the literature in individuals affected with PPP2R5D-related conditions. Experimental studies and prediction algorithms are not available or were not evaluated, and the functional significance of this variant is currently unknown. In summary, the available evidence is currently insufficient to determine the role of this variant in disease. Therefore, it has been classified as a Variant of Uncertain Significance.